The following is an entry in ClinVar:

ClinVar aggregate classification (germline): Uncertain significance. Review status: criteria provided, multiple submitters, no conflicts (2 of 4 stars). 2 submissions from 2 submitters: Uncertain significance (2). Last evaluated 2025-12-22.

Conditions:
Hereditary cancer-predisposing syndrome. Also called: Hereditary Cancer Syndrome; Neoplastic Syndromes, Hereditary; Tumor predisposition; Hereditary neoplastic syndrome. Identifiers: Orphanet 140162, MedGen C0027672, MeSH D009386, MONDO:0015356.

Allele frequency attached by ClinVar (database versions not stated): TOPMed below 0.00001; gnomAD 0.00001; gnomAD exomes 0.00001.
gnomAD v4.1: 7 of 1,607,788 alleles (0.00044%); highest among the groups gnomAD compares: Admixed American, 0.0017%; no homozygotes.

Submissions (2):

Ambry Genetics
Classification: Uncertain significance for Hereditary cancer-predisposing syndrome. Last evaluated: 2025-12-22. Review status: criteria provided, single submitter. Criteria: Ambry Variant Classification Scheme 2023. Collection method: clinical testing. Allele origin: germline.
Comment: The p.G539R variant (also known as c.1615G>A), located in coding exon 11 of the MSH3 gene, results from a G to A substitution at nucleotide position 1615. The glycine at codon 539 is replaced by arginine, an amino acid with dissimilar properties. This amino acid position is conserved. In addition, this alteration is predicted to be deleterious by in silico analysis. Based on the available evidence, the clinical significance of this variant remains unclear.

Labcorp Genetics (formerly Invitae), Labcorp
Classification: Uncertain significance. Last evaluated: 2024-06-28. Review status: criteria provided, single submitter. Criteria: Invitae Variant Classification Sherloc (09022015). Collection method: clinical testing. Allele origin: germline.
Comment: This sequence change replaces glycine, which is neutral and non-polar, with arginine, which is basic and polar, at codon 539 of the MSH3 protein (p.Gly539Arg). This variant is not present in population databases (gnomAD no frequency). This variant has not been reported in the literature in individuals affected with MSH3-related conditions. ClinVar contains an entry for this variant (Variation ID: 1014306). An algorithm developed to predict the effect of missense changes on protein structure and function (PolyPhen-2) suggests that this variant is likely to be disruptive. In summary, the available evidence is currently insufficient to determine the role of this variant in disease. Therefore, it has been classified as a Variant of Uncertain Significance.

NM_002439.5(MSH3):c.1615G>A (p.Gly539Arg)

Gene: MSH3 (mutS homolog 3; plus strand). Cytogenetic location: 5q14.1.
Variant type: single nucleotide variant.
Coding change: c.1615G>A on transcript NM_002439.5 (MANE Select); coding-DNA position 1615, G replaced by A.
Protein change: p.Gly539Arg; replaces glycine 539 with arginine.
Molecular consequence: missense variant.
Genome position (GRCh38, 1-based): chr5:80,741,510, G>A. VCF-style: chr5-80741510-G-A. GRCh37 (hg19) VCF-style: chr5-80037329-G-A.
Other names: c.1615G>A (NM_002439.3); short protein forms G539R.
Identifiers: ClinVar variation 1014306 (VCV001014306.9), dbSNP rs1379011618, ClinGen allele CA360274519.